The following is an entry in ClinVar:

NM_000944.5(PPP3CA):c.542C>G (p.Ala181Gly)

Gene: PPP3CA (protein phosphatase 3 catalytic subunit alpha; minus strand). Cytogenetic location: 4q24.
Variant type: single nucleotide variant.
Coding change: c.542C>G on transcript NM_000944.5 (MANE Select); coding-DNA position 542, C replaced by G.
Protein change: p.Ala181Gly; replaces alanine 181 with glycine.
Molecular consequence: missense variant.
Genome position (GRCh38, 1-based): chr4:101,098,467, G>C on the plus strand (C>G on the coding strand, the complement: PPP3CA is on the minus strand). VCF-style: chr4-101098467-G-C. GRCh37 (hg19) VCF-style: chr4-102019624-G-C.
Other names: c.542C>G, p.Ala181Gly (NM_001130691.2, NM_001130692.2); short protein forms A181G.
Identifiers: ClinVar variation 2502520 (VCV002502520.1), dbSNP rs1349802521, ClinGen allele CA357950004.
Genomic context (GRCh38, chr4:101,098,467, plus strand): 5'-CCACCATGCACACACAGGAACTGTTGGTTCATCAGGGCAGCCAGGGGAAGGCAGTCAAAG[G>C]CATCCATACAGGCATCATATACGCGTTCTGAATACTTTATTTTACCTTTTAGAAGTGATT-3'
Protein context (NP_000935.1, residues 171-191): SERVYDACMD[Ala181Gly]FDCLPLAALM

ClinVar aggregate classification (germline): Uncertain significance (1 of 4 stars; one submission).

Allele frequency attached by ClinVar (database versions not stated): gnomAD exomes below 0.00001.
gnomAD v4.1: 1 of 1,611,844 alleles (0.000062%); highest among the groups gnomAD compares: South Asian, 0.0011%; no homozygotes.

Submission:

GeneDx
Classification: Uncertain significance. Last evaluated: 2022-11-22. Review status: criteria provided, single submitter. Criteria: GeneDx Variant Classification Process June 2021. Collection method: clinical testing. Allele origin: germline. Affected: yes.
Comment: In silico analysis supports that this missense variant has a deleterious effect on protein structure/function; Has not been previously published as pathogenic or benign to our knowledge